The following is an entry in ClinVar:

ClinVar aggregate classification (germline): Conflicting classifications of pathogenicity. Review status: criteria provided, conflicting classifications (1 of 4 stars). 2 submissions from 2 submitters: Likely pathogenic (1); Uncertain significance (1). Last evaluated 2021-09-17.

Conditions:
DYRK1A-related disorder.
Intellectual disability syndrome due to a DYRK1A point mutation. Identifiers: Orphanet 464311, MedGen C5679991, MONDO:0018733.

Submissions (2):

Blueprint Genetics
Classification: Likely pathogenic for DYRK1A-related disorders. Last evaluated: 2021-09-17. Review status: criteria provided, single submitter. Criteria: ACMG Guidelines, 2015. Collection method: clinical testing. Allele origin: germline. Affected: yes. Observed: 1 variant allele.

Center of Genomic medicine, Geneva, University Hospital of Geneva
Classification: Uncertain significance for Intellectual disability syndrome due to a DYRK1A point mutation. Last evaluated: 2017-11-20. Review status: criteria provided, single submitter. Criteria: ACMG Guidelines, 2015. Collection method: clinical testing. Allele origin: de novo. Affected: yes.

NM_001347721.2(DYRK1A):c.1430G>A (p.Gly477Asp)

Gene: DYRK1A (dual specificity tyrosine phosphorylation regulated kinase 1A; plus strand). Cytogenetic location: 21q22.13.
Variant type: single nucleotide variant.
Coding change: c.1430G>A on transcript NM_001347721.2 (MANE Select); coding-DNA position 1430, G replaced by A.
Protein change: p.Gly477Asp; replaces glycine 477 with aspartic acid.
Molecular consequence: missense variant.
Genome position (GRCh38, 1-based): chr21:37,505,500, G>A. VCF-style: chr21-37505500-G-A. GRCh37 (hg19) VCF-style: chr21-38877803-G-A.
Other names: c.1430G>A, p.Gly477Asp (NM_001347722.2, NM_130436.2); c.1343G>A, p.Gly448Asp (NM_001347723.2); c.1457G>A, p.Gly486Asp (NM_001396.5, NM_101395.2, NM_130438.2); short protein forms G486D, G448D, G477D.
Identifiers: ClinVar variation 523623 (VCV000523623.4), dbSNP rs1555991030, ClinGen allele CA409938576.